The following is an entry in ClinVar:

ClinVar aggregate classification (germline): Uncertain significance. Review status: criteria provided, single submitter (1 of 4 stars). 2 submissions from 1 submitter: Uncertain significance (2). Last evaluated 2018-08-23.

Conditions:
Colorectal cancer, hereditary nonpolyposis, type 6. Also called: Colon cancer, hereditary nonpolyposis, type 6; Colon cancer, hereditary nonpolyposis, type 6, somatic. Identifiers: Orphanet 144, MedGen C1860896, MONDO:0013695, OMIM 614331.
Loeys-Dietz syndrome 2 (LDS2). Also called: TGFBR2-Related Loeys-Dietz Syndrome; Marfan syndrome, type 2 (formerly); AORTIC ANEURYSM, FAMILIAL THORACIC 3; MARFAN SYNDROME, TYPE II; Marfan Syndrome type 2; Marfan like connective tissue disorder. Identifiers: Orphanet 284973, Orphanet 558, MedGen C2674574, MONDO:0012427, OMIM 610168.
Malignant tumor of esophagus. Also called: Esophageal cancer; Esophageal cancer, somatic. Identifiers: Orphanet 99977, MedGen C0546837, MONDO:0007576, OMIM 133239.

Submissions (2):

Center for Genomics, Ann and Robert H. Lurie Children's Hospital of Chicago
Classification: Uncertain significance for Colorectal cancer, hereditary nonpolyposis, type 6; Loeys-Dietz syndrome 2. Last evaluated: 2018-08-23. Review status: criteria provided, single submitter. Criteria: ACMG Guidelines, 2015. Collection method: clinical testing. Allele origin: germline.
Comment: TGFBR2 NM_003242.5 exon 3 c.413G>A (p.Cys138Tyr): This variant has not been reported in the literature and is not present in large control databases. Evolutionary conservation and computational predictive tools suggest that this variant may impact the protein. Of note, another variant at this same codon (p.Cys138Arg) has been reported in the literature (Pezzini 2014 PMID:21270064), suggesting that this region has significance. In summary, data on this variant is insufficient for disease classification. Therefore, the clinical significance of this variant is uncertain.

Center for Genomics, Ann and Robert H. Lurie Children's Hospital of Chicago
Classification: Uncertain significance for Loeys-Dietz syndrome 2; Colorectal cancer, hereditary nonpolyposis, type 6; Malignant tumor of esophagus. Review status: criteria provided, single submitter. Criteria: ACMG Guidelines, 2015. Collection method: clinical testing. Allele origin: germline.
Comment: the same text as in the submission from Center for Genomics, Ann and Robert H. Lurie Children's Hospital of Chicago above.

NM_003242.6(TGFBR2):c.413G>A (p.Cys138Tyr)

Gene: TGFBR2 (transforming growth factor beta receptor 2; plus strand). Cytogenetic location: 3p24.1.
Variant type: single nucleotide variant.
Coding change: c.413G>A on transcript NM_003242.6 (MANE Select); coding-DNA position 413, G replaced by A.
Protein change: p.Cys138Tyr; replaces cysteine 138 with tyrosine.
Molecular consequence: missense variant.
Genome position (GRCh38, 1-based): chr3:30,650,419, G>A. VCF-style: chr3-30650419-G-A. GRCh37 (hg19) VCF-style: chr3-30691911-G-A.
Other names: c.488G>A, p.Cys163Tyr (NM_001024847.3, NM_001407126.1, NM_001407139.1); c.413G>A, p.Cys138Tyr (NM_001407127.1, NM_001407130.1); c.440G>A, p.Cys147Tyr (NM_001407128.1); c.308G>A, p.Cys103Tyr (NM_001407129.1, NM_001407132.1, NM_001407133.1 and 3 more transcripts); short protein forms C163Y, C138Y, C103Y, C147Y.
Identifiers: ClinVar variation 626031 (VCV000626031.4), dbSNP rs1559458957, ClinGen allele CA351807036.